The following is an entry in ClinVar:

NM_016239.4(MYO15A):c.9517+2T>C

Gene: MYO15A (myosin XVA; plus strand). Cytogenetic location: 17p11.2.
Variant type: single nucleotide variant.
Coding change: c.9517+2T>C on transcript NM_016239.4 (MANE Select); the canonical splice donor site of the intron after coding-DNA position 9517, T replaced by C.
Molecular consequence: splice donor variant.
Genome position (GRCh38, 1-based): chr17:18,161,449, T>C. VCF-style: chr17-18161449-T-C. GRCh37 (hg19) VCF-style: chr17-18064763-T-C.
Identifiers: ClinVar variation 666995 (VCV000666995.17), dbSNP rs1322423998, ClinGen allele CA398637054.

ClinVar aggregate classification (germline): Likely pathogenic. Review status: reviewed by expert panel (3 of 4 stars). 6 submissions from 6 submitters: Likely pathogenic (1). 5 of the submissions do not count toward it. Last evaluated 2024-07-23.

Conditions:
Rare genetic deafness. Identifiers: Orphanet 96210, MedGen C5680250.
MYO15A-related disorder. Also called: MYO15A-related condition.
Nonsyndromic genetic hearing loss. Also called: Nonsyndromic hearing loss and deafness; Nonsyndromic genetic deafness; Non-syndromic genetic deafness. Identifiers: Orphanet 87884, MedGen C5680182, MONDO:0019497.
Autosomal recessive nonsyndromic hearing loss 3. Also called: NEUROSENSORY NONSYNDROMIC RECESSIVE DEAFNESS 3. Identifiers: Orphanet 90636, MedGen C1838263, MONDO:0010860, OMIM 600316.
Hearing impairment. Also called: Impaired Hearing. Identifiers: MedGen C1384666, MONDO:0005365, HP:0000365.

Allele frequency attached by ClinVar (database versions not stated): gnomAD exomes below 0.00001; gnomAD 0.00004; TOPMed 0.00005.

Submissions (6):

ClinGen Hearing Loss Variant Curation Expert Panel
Classification: Likely pathogenic for Nonsyndromic genetic hearing loss. Last evaluated: 2024-07-23. Review status: reviewed by expert panel. Criteria: clingen hl acmg specifications otof myo15a v1. Collection method: curation. Allele origin: germline. Inheritance: Autosomal recessive inheritance.
Comment: The c.9517+2T>C variant in MYO15A is within the canonical splice site (+/- 1,2) of exon 57/66 and is predicted to cause altered splicing in a gene in which loss-of-function is an established disease mechanism (PVS1; PMID: 30192042). This variant has been detected in 1 proband with hearing loss with a second variant of uncertain significance in MYO15A where phase was not determined (PMID: 26969326). The c.9517+2T>C variant was present in 0.01167% (7/59990) of Latino/Admixed American alleles in gnomAD v4. In summary, the c.9517+2T>C variant in MYO15A meets criteria to be classified as likely pathogenic for autosomal recessive nonsyndromic hearing loss based on the ACMG/AMP criteria applied, as specified by the Hearing Loss Expert Panel: PM3_Supporting, PVS1. (ClinGen Hearing Loss VCEP specifications version 1; 7/23/2024)

PreventionGenetics, part of Exact Sciences
Classification: Likely pathogenic for MYO15A-related condition. Last evaluated: 2026-03-31. Review status: criteria provided, single submitter. Criteria: ACMG Guidelines, 2015. Collection method: clinical testing. Allele origin: germline. Not counted in ClinVar's aggregate classification.
Comment: The MYO15A c.9517+2T>C variant is predicted to disrupt the GT donor site and interfere with normal splicing. This variant was reported along with a second likely pathogenic MYO15A variant in an individual with hearing loss (Table S3, Sloan-Heggen et al. 2016. PubMed ID: 26969326). This variant is reported in 0.0029% of alleles in individuals of Latino descent in gnomAD. Variants that disrupt the consensus splice donor site in MYO15A are expected to be pathogenic. This variant is interpreted as likely pathogenic.

Fulgent Genetics
Classification: Likely pathogenic for Autosomal recessive nonsyndromic hearing loss 3. Last evaluated: 2021-09-07. Review status: criteria provided, single submitter. Criteria: ACMG Guidelines, 2015. Collection method: clinical testing. Allele origin: unknown. Not counted in ClinVar's aggregate classification.

Cambridge Genomics Laboratory, East Genomic Laboratory Hub, NHS Genomic Medicine Service
Classification: Pathogenic for Hearing impairment. Last evaluated: 2020-04-11. Review status: criteria provided, single submitter. Criteria: ACGS Best Practice Guidelines for Variant Classification in Rare Disease 2020. Collection method: clinical testing. Allele origin: germline. Affected: yes. Observed: 1 variant allele. Not counted in ClinVar's aggregate classification.

ARUP Laboratories, Molecular Genetics and Genomics, ARUP Laboratories
Classification: Likely pathogenic for Autosomal recessive nonsyndromic hearing loss 3. Last evaluated: 2018-10-15. Review status: criteria provided, single submitter. Criteria: ARUP Molecular Germline Variant Investigation Process. Collection method: clinical testing. Allele origin: germline. Not counted in ClinVar's aggregate classification.
Comment: The c.9517+2T>C variant has been previously reported in a patient with non-syndromic hearing loss who also carried an additional pathogenic variant in MYO15A (Sloan-Heggen 2016). This variant affects the canonical splice donor sequence in intron 57, and is predicted to completely abrogate splicing at this junction (Alamut software v2.9). Consistent with an autosomal recessive carrier frequency, this variant is listed in the Genome Aggregation Database (gnomAD) browser with an overall frequency of 0.0004% (identified in 1 out of 245,472 chromosomes). Taken together, the c.9517+2T>C variant is likely to be pathogenic.

Laboratory for Molecular Medicine, Mass General Brigham Personalized Medicine
Classification: Pathogenic for Rare genetic deafness. Last evaluated: 2018-03-05. Review status: criteria provided, single submitter. Criteria: LMM Criteria. Collection method: clinical testing. Allele origin: germline. Inheritance: Autosomal recessive inheritance. Observed: 1 variant allele. Not counted in ClinVar's aggregate classification.
Comment: The c.9517+2T>C variant in MYO15A has been reported in 1 individual with hearing loss, who also harbored a second likely pathogenic variant in MYO15A (Sloan-Heg gen 2016). It has been identified in 1/245472 chromosomes by the Genome Aggregat ion Database (gnomAD), which is low enough to be consistent with a recessive carrier frequency. This variant occurs in the in variant region (+/- 1,2) of the splice consensus sequence and is predicted to ca use altered splicing leading to an abnormal or absent protein. In summary, this variant meets criteria to be classified as pathogenic for hearing loss in an aut osomal recessive manner based upon predicted impact to the protein, low frequenc y in the general population, and presence in an affected individual. ACMG/AMP Cr iteria applied: PVS1, PM2, PM3.

Literature cited by the submitters: PubMed 26969326 (cited by Laboratory for Molecular Medicine, Mass General Brigham Personalized Medicine).